The following is an entry in ClinVar:

NM_012073.5(CCT5):c.1006G>A (p.Ala336Thr)

Gene: CCT5 (chaperonin containing TCP1 subunit 5; plus strand). Cytogenetic location: 5p15.2.
Variant type: single nucleotide variant.
Coding change: c.1006G>A on transcript NM_012073.5 (MANE Select); coding-DNA position 1006, G replaced by A.
Protein change: p.Ala336Thr; replaces alanine 336 with threonine.
Molecular consequence: missense variant.
Genome position (GRCh38, 1-based): chr5:10,261,572, G>A. VCF-style: chr5-10261572-G-A. GRCh37 (hg19) VCF-style: chr5-10261684-G-A.
Other names: c.943G>A, p.Ala315Thr (NM_001306153.1); c.841G>A, p.Ala281Thr (NM_001306154.2); c.727G>A, p.Ala243Thr (NM_001306155.2); c.892G>A, p.Ala298Thr (NM_001306156.2); short protein forms A243T, A336T, A315T, A281T, A298T.
Identifiers: ClinVar variation 2169962 (VCV002169962.4), dbSNP rs768768696, ClinGen allele CA3198235.
Genomic context (GRCh38, chr5:10,261,572, plus strand): 5'-AACTTCACCAGTACTGTCTTCATCCTTCTCCCTGACCACCCCAATTAGCTGATTGCCATC[G>A]CAACAGGAGGGCGGATCGTCCCCAGGTTCTCAGAGCTCACAGCCGAGAAGCTGGGCTTTG-3'
Protein context (NP_036205.1, residues 326-346): GGPEIELIAI[Ala336Thr]TGGRIVPRFS

ClinVar aggregate classification (germline): Uncertain significance (1 of 4 stars; one submission).

Conditions:
Hereditary sensory and autonomic neuropathy with spastic paraplegia (HSNSP). Identifiers: Orphanet 139578, MedGen C1850395, MONDO:0009748, OMIM 256840.

Allele frequency attached by ClinVar (database versions not stated): ExAC 0.00001; gnomAD exomes 0.00001; gnomAD 0.00004; TOPMed 0.00004.
gnomAD v4.1: 15 of 1,614,050 alleles (0.00093%); highest among the groups gnomAD compares: Non-Finnish European, 0.0013%; no homozygotes.

Submission:

Labcorp Genetics (formerly Invitae), Labcorp
Classification: Uncertain significance for Hereditary sensory and autonomic neuropathy with spastic paraplegia. Last evaluated: 2022-08-22. Review status: criteria provided, single submitter. Criteria: Invitae Variant Classification Sherloc (09022015). Collection method: clinical testing. Allele origin: germline.
Comment: In summary, the available evidence is currently insufficient to determine the role of this variant in disease. Therefore, it has been classified as a Variant of Uncertain Significance. Algorithms developed to predict the effect of missense changes on protein structure and function are either unavailable or do not agree on the potential impact of this missense change (SIFT: "Deleterious"; PolyPhen-2: "Not Available"; Align-GVGD: "Class C0"). This variant has not been reported in the literature in individuals affected with CCT5-related conditions. This variant is present in population databases (rs768768696, gnomAD 0.004%). This sequence change replaces alanine, which is neutral and non-polar, with threonine, which is neutral and polar, at codon 336 of the CCT5 protein (p.Ala336Thr).